The following is an entry in ClinVar:

ClinVar aggregate classification (germline): Uncertain significance. Review status: criteria provided, multiple submitters, no conflicts (2 of 4 stars). 2 submissions from 2 submitters: Uncertain significance (2). Last evaluated 2025-09-16.

Conditions:
DPYSL5-related disorder. Also called: DPYSL5-related condition.
Inborn genetic diseases. Identifiers: MedGen C0950123, MeSH D030342.

Submissions (2):

PreventionGenetics, part of Exact Sciences
Classification: Uncertain significance for DPYSL5-related condition. Last evaluated: 2025-09-16. Review status: criteria provided, single submitter. Criteria: ACMG Guidelines, 2015. Collection method: clinical testing. Allele origin: germline.
Comment: The DPYSL5 c.707C>A variant is predicted to result in the amino acid substitution p.Ala236Glu. To our knowledge, this variant has not been reported in the literature or in a large population database (gnomAD), indicating this variant is rare. At this time, the clinical significance of this variant is uncertain due to the absence of conclusive functional and genetic evidence.

Ambry Genetics
Classification: Uncertain significance for Inborn genetic diseases. Last evaluated: 2025-07-15. Review status: criteria provided, single submitter. Criteria: Ambry Variant Classification Scheme 2023. Collection method: clinical testing. Allele origin: germline.

NM_020134.4(DPYSL5):c.707C>A (p.Ala236Glu)

Gene: DPYSL5 (dihydropyrimidinase like 5; plus strand). Cytogenetic location: 2p23.3.
Variant type: single nucleotide variant.
Coding change: c.707C>A on transcript NM_020134.4 (MANE Select); coding-DNA position 707, C replaced by A.
Protein change: p.Ala236Glu; replaces alanine 236 with glutamic acid.
Molecular consequence: missense variant.
Genome position (GRCh38, 1-based): chr2:26,931,677, C>A. VCF-style: chr2-26931677-C-A. GRCh37 (hg19) VCF-style: chr2-27154545-C-A.
Other names: c.707C>A, p.Ala236Glu (NM_001253723.2, NM_001253724.2); short protein forms A236E.
Identifiers: ClinVar variation 2636299 (VCV002636299.3), dbSNP rs2465501957, ClinGen allele CA346140120.